The following is an entry in ClinVar:

NM_001130438.3(SPTAN1):c.5950C>A (p.Leu1984Ile)

Gene: SPTAN1 (spectrin alpha, non-erythrocytic 1; plus strand). Cytogenetic location: 9q34.11.
Variant type: single nucleotide variant.
Coding change: c.5950C>A on transcript NM_001130438.3 (MANE Select); coding-DNA position 5950, C replaced by A.
Protein change: p.Leu1984Ile; replaces leucine 1984 with isoleucine.
Molecular consequence: missense variant.
Genome position (GRCh38, 1-based): chr9:128,624,445, C>A. VCF-style: chr9-128624445-C-A. GRCh37 (hg19) VCF-style: chr9-131386724-C-A.
Other names: c.5875C>A, p.Leu1959Ile (NM_001195532.2); c.5950C>A, p.Leu1984Ile (NM_001363759.2, NM_001375310.1, NM_001375311.2 and 1 more transcripts); c.5890C>A, p.Leu1964Ile (NM_001363765.2, NM_001375314.2); c.5986C>A, p.Leu1996Ile (NM_001375312.2, NM_001375318.1); c.5935C>A, p.Leu1979Ile (NM_003127.4); short protein forms L1984I, L1996I, L1959I, L1964I, L1979I.
Identifiers: ClinVar variation 1355241 (VCV001355241.9), dbSNP rs1440498629, ClinGen allele CA375082986.

ClinVar aggregate classification (germline): Uncertain significance. Review status: criteria provided, multiple submitters, no conflicts (2 of 4 stars). 2 submissions from 2 submitters: Uncertain significance (2). Last evaluated 2024-05-15.

Conditions:
Early-infantile DEE. Also called: Early infantile epileptic encephalopathy with suppression bursts; Early infantile epileptic encephalopathy; Ohtahara syndrome. Identifiers: Orphanet 1934, MedGen C0393706, MONDO:0800491.

Allele frequency attached by ClinVar (database versions not stated): gnomAD exomes below 0.00001.
gnomAD v4.1: 2 of 1,613,924 alleles (0.00012%); highest among the groups gnomAD compares: Admixed American, 0.0033%; no homozygotes.

Submissions (2):

Labcorp Genetics (formerly Invitae), Labcorp
Classification: Uncertain significance for Early-infantile DEE. Last evaluated: 2024-05-15. Review status: criteria provided, single submitter. Criteria: Invitae Variant Classification Sherloc (09022015). Collection method: clinical testing. Allele origin: germline.
Comment: This sequence change replaces leucine, which is neutral and non-polar, with isoleucine, which is neutral and non-polar, at codon 1984 of the SPTAN1 protein (p.Leu1984Ile). This variant is present in population databases (no rsID available, gnomAD 0.003%). This variant has not been reported in the literature in individuals affected with SPTAN1-related conditions. ClinVar contains an entry for this variant (Variation ID: 1355241). Advanced modeling of protein sequence and biophysical properties (such as structural, functional, and spatial information, amino acid conservation, physicochemical variation, residue mobility, and thermodynamic stability) has been performed at Invitae for this missense variant, however the output from this modeling did not meet the statistical confidence thresholds required to predict the impact of this variant on SPTAN1 protein function. In summary, the available evidence is currently insufficient to determine the role of this variant in disease. Therefore, it has been classified as a Variant of Uncertain Significance.

Revvity Omics, Revvity
Classification: Uncertain significance. Last evaluated: 2023-10-31. Review status: criteria provided, single submitter. Criteria: ACMG Guidelines, 2015. Collection method: clinical testing. Allele origin: germline.